The following is an entry in ClinVar:

NM_000384.3(APOB):c.8529G>T (p.Met2843Ile)

Gene: APOB (apolipoprotein B; minus strand). Cytogenetic location: 2p24.1.
Variant type: single nucleotide variant.
Coding change: c.8529G>T on transcript NM_000384.3 (MANE Select); coding-DNA position 8529, G replaced by T.
Protein change: p.Met2843Ile; replaces methionine 2843 with isoleucine.
Molecular consequence: missense variant.
Genome position (GRCh38, 1-based): chr2:21,008,339, C>A on the plus strand (G>T on the coding strand, the complement: APOB is on the minus strand). VCF-style: chr2-21008339-C-A. GRCh37 (hg19) VCF-style: chr2-21231211-C-A.
Other names: short protein forms M2843I.
Identifiers: ClinVar variation 2565881 (VCV002565881.3), dbSNP rs760156681, ClinGen allele CA065769.

ClinVar aggregate classification (germline): Uncertain significance. Review status: criteria provided, multiple submitters, no conflicts (2 of 4 stars). 2 submissions from 2 submitters: Uncertain significance (2). Last evaluated 2023-06-03.

Conditions:
APOB-related disorder. Also called: APOB-related disorders; APOB-related condition.
Cardiovascular phenotype. Identifiers: MedGen CN230736.

Allele frequency attached by ClinVar (database versions not stated): ExAC 0.00001; gnomAD 0.00001; TOPMed 0.00001.
gnomAD v4.1: 2 of 1,613,158 alleles (0.00012%); highest among the groups gnomAD compares: African/African-American, 0.0027%; no homozygotes.

Submissions (2):

Ambry Genetics
Classification: Uncertain significance for Cardiovascular phenotype. Last evaluated: 2023-06-03. Review status: criteria provided, single submitter. Criteria: Ambry Variant Classification Scheme 2023. Collection method: clinical testing. Allele origin: germline.
Comment: The p.M2843I variant (also known as c.8529G>T), located in coding exon 26 of the APOB gene, results from a G to T substitution at nucleotide position 8529. The methionine at codon 2843 is replaced by isoleucine, an amino acid with highly similar properties. This amino acid position is conserved. In addition, this alteration is predicted to be tolerated by in silico analysis. Since supporting evidence is limited at this time, the clinical significance of this alteration remains unclear.

PreventionGenetics, part of Exact Sciences
Classification: Uncertain significance for APOB-related condition. Last evaluated: 2023-03-21. Review status: criteria provided, single submitter. Criteria: ACMG Guidelines, 2015. Collection method: clinical testing. Allele origin: germline.
Comment: The APOB c.8529G>T variant is predicted to result in the amino acid substitution p.Met2843Ile. To our knowledge, this variant has not been reported in the literature. This variant is reported in 0.012% of alleles in individuals of African descent in gnomAD. At this time, the clinical significance of this variant is uncertain due to the absence of conclusive functional and genetic evidence.